The following is an entry in ClinVar:

NM_006269.2(RP1):c.65C>T (p.Pro22Leu)

Gene: RP1 (RP1 axonemal microtubule associated; plus strand). Cytogenetic location: 8q12.1.
Variant type: single nucleotide variant.
Coding change: c.65C>T on transcript NM_006269.2 (MANE Select); coding-DNA position 65, C replaced by T.
Protein change: p.Pro22Leu; replaces proline 22 with leucine.
Molecular consequence: missense variant.
Genome position (GRCh38, 1-based): chr8:54,621,031, C>T. VCF-style: chr8-54621031-C-T. GRCh37 (hg19) VCF-style: chr8-55533591-C-T.
Other names: c.65C>T, p.Pro22Leu (NM_001375654.1); short protein forms P22L.
Identifiers: ClinVar variation 848593 (VCV000848593.11), dbSNP rs200017983, ClinGen allele CA4751080.

ClinVar aggregate classification (germline): Uncertain significance. Review status: criteria provided, multiple submitters, no conflicts (2 of 4 stars). 4 submissions from 4 submitters: Uncertain significance (4). Last evaluated 2026-08-26.

Conditions:
Inborn genetic diseases. Identifiers: MedGen C0950123, MeSH D030342.
RP1-related disorder. Also called: RP1-related condition.

Allele frequency attached by ClinVar (database versions not stated): ExAC 0.00002; gnomAD exomes 0.00003; gnomAD 0.00007 and 0.00009; TOPMed 0.00012; 1000 Genomes Project 0.00020; 1000 Genomes Project 30x 0.00031.
gnomAD v4.1: 58 of 1,614,138 alleles (0.0036%); highest among the groups gnomAD compares: Admixed American, 0.01%; no homozygotes.

Submissions (4):

PreventionGenetics, part of Exact Sciences
Classification: Uncertain significance for RP1-related condition. Last evaluated: 2026-08-26. Review status: criteria provided, single submitter. Criteria: ACMG Guidelines, 2015. Collection method: clinical testing. Allele origin: germline.
Comment: The RP1 c.65C>T variant is predicted to result in the amino acid substitution p.Pro22Leu. To our knowledge, this variant has not been reported in the literature. This variant is reported in 0.0054% of alleles in individuals of European (Non-Finnish) descent in gnomAD. At this time, the clinical significance of this variant is uncertain due to the absence of conclusive functional and genetic evidence.

Ambry Genetics
Classification: Uncertain significance for Inborn genetic diseases. Last evaluated: 2025-08-06. Review status: criteria provided, single submitter. Criteria: Ambry Variant Classification Scheme 2023. Collection method: clinical testing. Allele origin: germline.

Labcorp Genetics (formerly Invitae), Labcorp
Classification: Uncertain significance. Last evaluated: 2025-04-22. Review status: criteria provided, single submitter. Criteria: Invitae Variant Classification Sherloc (09022015). Collection method: clinical testing. Allele origin: germline.
Comment: This sequence change replaces proline, which is neutral and non-polar, with leucine, which is neutral and non-polar, at codon 22 of the RP1 protein (p.Pro22Leu). This variant is present in population databases (rs200017983, gnomAD 0.005%). This variant has not been reported in the literature in individuals affected with RP1-related conditions. ClinVar contains an entry for this variant (Variation ID: 848593). An algorithm developed to predict the effect of missense changes on protein structure and function outputs the following: PolyPhen-2: "Benign". The leucine amino acid residue is found in multiple mammalian species, which suggests that this missense change does not adversely affect protein function. In summary, the available evidence is currently insufficient to determine the role of this variant in disease. Therefore, it has been classified as a Variant of Uncertain Significance.

Blueprint Genetics
Classification: Uncertain significance. Last evaluated: 2020-05-07. Review status: criteria provided, single submitter. Criteria: ACMG Guidelines, 2015. Collection method: clinical testing. Allele origin: germline.